The following is an entry in ClinVar:

ClinVar aggregate classification (germline): Likely benign (1 of 4 stars; one submission).

gnomAD v4.1: 26 of 1,530,178 alleles (0.0017%); highest among the groups gnomAD compares: Middle Eastern, 0.28%; 1 homozygote.

Submission:

CeGaT Center for Human Genetics Tuebingen
Classification: Likely benign. Last evaluated: 2025-07-01. Review status: criteria provided, single submitter. Criteria: CeGaT Center For Human Genetics Tuebingen Variant Classification Criteria Version 2. Collection method: clinical testing. Allele origin: germline. Affected: yes. Observed: 1 variant allele.
Comment: DPYSL2: BP4, BP7

NM_001197293.3(DPYSL2):c.195G>A (p.Val65=)

Gene: DPYSL2 (dihydropyrimidinase like 2; plus strand). Cytogenetic location: 8p21.2.
Variant type: single nucleotide variant.
Coding change: c.195G>A on transcript NM_001197293.3 (MANE Select); coding-DNA position 195, G replaced by A.
Protein change: p.Val65=; no amino-acid change (valine 65 retained).
Molecular consequence: synonymous variant.
Genome position (GRCh38, 1-based): chr8:26,514,520, G>A. VCF-style: chr8-26514520-G-A. GRCh37 (hg19) VCF-style: chr8-26372036-G-A.
Identifiers: ClinVar variation 4084347 (VCV004084347.8).